The following is an entry in ClinVar:

ClinVar aggregate classification (germline): Uncertain significance (1 of 4 stars; one submission).

Conditions:
TTN-related disorder. Also called: TTN-related condition; TTN-related disease; TTN-related disorders.

Allele frequency attached by ClinVar (database versions not stated): gnomAD exomes below 0.00001; TOPMed below 0.00001; gnomAD 0.00001.
gnomAD v4.1: 5 of 1,612,946 alleles (0.00031%); highest among the groups gnomAD compares: Non-Finnish European, 0.00042%; no homozygotes.

Submission:

PreventionGenetics, part of Exact Sciences
Classification: Uncertain significance for TTN-related condition. Last evaluated: 2023-03-28. Review status: criteria provided, single submitter. Criteria: ACMG Guidelines, 2015. Collection method: clinical testing. Allele origin: germline.
Comment: The TTN c.71270T>C variant is predicted to result in the amino acid substitution p.Val23757Ala. To our knowledge, this variant has not been reported in the literature or in a large population database, indicating this variant is rare. At this time, the clinical significance of this variant is uncertain due to the absence of conclusive functional and genetic evidence.

NM_001267550.2(TTN):c.71270T>C (p.Val23757Ala)

Genes: TTN (titin; minus strand), TTN-AS1 (TTN antisense RNA 1; plus strand). Cytogenetic location: 2q31.2.
Variant type: single nucleotide variant.
Coding change: c.71270T>C on transcript NM_001267550.2 (MANE Select); coding-DNA position 71270, T replaced by C.
Protein change: p.Val23757Ala; replaces valine 23757 with alanine.
Molecular consequence: missense variant.
Genome position (GRCh38, 1-based): chr2:178,574,862, A>G on the plus strand (T>C on the coding strand, the complement: TTN is on the minus strand). VCF-style: chr2-178574862-A-G. GRCh37 (hg19) VCF-style: chr2-179439589-A-G.
Other names: c.66347T>C, p.Val22116Ala (NM_001256850.1); c.44075T>C, p.Val14692Ala (NM_003319.4); c.63566T>C, p.Val21189Ala (NM_133378.4); c.44450T>C, p.Val14817Ala (NM_133432.3); c.44651T>C, p.Val14884Ala (NM_133437.4); short protein forms V14692A, V14817A, V14884A, V21189A, V22116A, V23757A.
Identifiers: ClinVar variation 2633461 (VCV002633461.1), dbSNP rs767128219, ClinGen allele CA349658377.